The following is an entry in ClinVar:

ClinVar aggregate classification (germline): Uncertain significance (1 of 4 stars; one submission).

Submission:

Women's Health and Genetics/Laboratory Corporation of America, LabCorp
Classification: Uncertain significance. Last evaluated: 2025-11-05. Review status: criteria provided, single submitter. Criteria: LabCorp Variant Classification Summary - May 2015. Collection method: clinical testing. Allele origin: germline.
Comment: Variant summary: SGSH c.-39_-16dup24 is located in the untranslated mRNA region upstream of the initiation codon. The variant was absent in 86478 control chromosomes. The available data on variant occurrences in the general population are insufficient to allow any conclusion about variant significance. To our knowledge, no occurrence of c.-39_-16dup24 in individuals affected with SGSH-related conditions and no experimental evidence demonstrating its impact on protein function have been reported. No submitters have cited clinical-significance assessments for this variant to ClinVar. Based on the evidence outlined above, the variant was classified as uncertain significance.

NM_000199.5(SGSH):c.-39_-16dup24

Genes: SGSH (N-sulfoglucosamine sulfohydrolase; minus strand), LOC130061900 (ATAC-STARR-seq lymphoblastoid silent region 9102; plus strand). Cytogenetic location: 17q25.3.
Variant type: Duplication.
Coding change: c.-39_-16dup24 on transcript NM_000199.5 (MANE Select); 39 bases upstream of the start codon through 16 bases upstream of the start codon, 24 bases duplicated (GGAGCCGGATCCCGATCCCGAGTC).
Molecular consequence: 5 prime UTR variant.
Genome position (GRCh38, 1-based): chr17:80,220,329-80,220,352, GACTCGGGATCGGGATCCGGCTCC duplicated on the plus strand (GGAGCCGGATCCCGATCCCGAGTC on the coding strand, the reverse complement: SGSH is on the minus strand); duplicating any 24 consecutive bases within chr17:80,220,329-80,220,353 gives the same sequence; the c. name uses the placement nearest the transcript's 3' end. VCF-style (leftmost placement, unchanged base first): chr17-80220328-G-GGACTCGGGATCGGGATCCGGCTCC. GRCh37 (hg19) VCF-style: chr17-78194127-G-GGACTCGGGATCGGGATCCGGCTCC.
Identifiers: ClinVar variation 4537049 (VCV004537049.1).